The following is an entry in ClinVar:

ClinVar aggregate classification (germline): Uncertain significance (1 of 4 stars; one submission).

Conditions:
Ullrich congenital muscular dystrophy 2 (UCMD2). Identifiers: Orphanet 75840, MedGen C4225314, MONDO:0014654, OMIM 616470.
Bethlem myopathy 2 (BTHLM2). Identifiers: Orphanet 536516, Orphanet 610, MedGen C4225313, MONDO:0034022, OMIM 616471.

Allele frequency attached by ClinVar (database versions not stated): gnomAD 0.00001.
gnomAD v4.1: 2 of 1,613,334 alleles (0.00012%); highest among the groups gnomAD compares: Admixed American, 0.0017%; no homozygotes.

Submission:

Labcorp Genetics (formerly Invitae), Labcorp
Classification: Uncertain significance for Bethlem myopathy 2; Ullrich congenital muscular dystrophy 2. Last evaluated: 2023-08-07. Review status: criteria provided, single submitter. Criteria: Invitae Variant Classification Sherloc (09022015). Collection method: clinical testing. Allele origin: germline.
Comment: This sequence change replaces glycine, which is neutral and non-polar, with aspartic acid, which is acidic and polar, at codon 1502 of the COL12A1 protein (p.Gly1502Asp). This variant is not present in population databases (gnomAD no frequency). This variant has not been reported in the literature in individuals affected with COL12A1-related conditions. Advanced modeling of protein sequence and biophysical properties (such as structural, functional, and spatial information, amino acid conservation, physicochemical variation, residue mobility, and thermodynamic stability) performed at Invitae indicates that this missense variant is expected to disrupt COL12A1 protein function. In summary, the available evidence is currently insufficient to determine the role of this variant in disease. Therefore, it has been classified as a Variant of Uncertain Significance.

NM_004370.6(COL12A1):c.4505G>A (p.Gly1502Asp)

Gene: COL12A1 (collagen type XII alpha 1 chain; minus strand). Cytogenetic location: 6q13.
Variant type: single nucleotide variant.
Coding change: c.4505G>A on transcript NM_004370.6 (MANE Select); coding-DNA position 4505, G replaced by A.
Protein change: p.Gly1502Asp; replaces glycine 1502 with aspartic acid.
Molecular consequence: missense variant.
Genome position (GRCh38, 1-based): chr6:75,146,157, C>T on the plus strand (G>A on the coding strand, the complement: COL12A1 is on the minus strand). VCF-style: chr6-75146157-C-T. GRCh37 (hg19) VCF-style: chr6-75855873-C-T.
Other names: c.4505G>A, p.Gly1502Asp (NM_001424113.1, NM_001424114.1); c.4232G>A, p.Gly1411Asp (NM_001424115.1); c.1013G>A, p.Gly338Asp (NM_001424116.1, NM_080645.3); short protein forms G1411D, G1502D, G338D.
Identifiers: ClinVar variation 2932064 (VCV002932064.3), dbSNP rs1767181562, ClinGen allele CA364743690.